The following is an entry in ClinVar:

NM_031935.3(HMCN1):c.6727G>A (p.Gly2243Arg)

Gene: HMCN1 (hemicentin 1; plus strand). Cytogenetic location: 1q31.1.
Variant type: single nucleotide variant.
Coding change: c.6727G>A on transcript NM_031935.3 (MANE Select); coding-DNA position 6727, G replaced by A.
Protein change: p.Gly2243Arg; replaces glycine 2243 with arginine.
Molecular consequence: missense variant.
Genome position (GRCh38, 1-based): chr1:186,053,851, G>A. VCF-style: chr1-186053851-G-A. GRCh37 (hg19) VCF-style: chr1-186022983-G-A.
Other names: short protein forms G2243R.
Identifiers: ClinVar variation 1997072 (VCV001997072.4), dbSNP rs2102281445, ClinGen allele CA343901233.

ClinVar aggregate classification (germline): Uncertain significance (1 of 4 stars; one submission).

Allele frequency attached by ClinVar (database versions not stated): gnomAD exomes below 0.00001.
gnomAD v4.1: 2 of 1,612,588 alleles (0.00012%); highest among the groups gnomAD compares: Non-Finnish European, 0.000085%; no homozygotes.

Submission:

Labcorp Genetics (formerly Invitae), Labcorp
Classification: Uncertain significance. Last evaluated: 2024-10-15. Review status: criteria provided, single submitter. Criteria: Invitae Variant Classification Sherloc (09022015). Collection method: clinical testing. Allele origin: germline.
Comment: This sequence change replaces glycine, which is neutral and non-polar, with arginine, which is basic and polar, at codon 2243 of the HMCN1 protein (p.Gly2243Arg). This variant is not present in population databases (gnomAD no frequency). This variant has not been reported in the literature in individuals affected with HMCN1-related conditions. ClinVar contains an entry for this variant (Variation ID: 1997072). An algorithm developed to predict the effect of missense changes on protein structure and function (PolyPhen-2) suggests that this variant is likely to be disruptive. In summary, the available evidence is currently insufficient to determine the role of this variant in disease. Therefore, it has been classified as a Variant of Uncertain Significance.